The following is an entry in ClinVar:

NM_032444.4(SLX4):c.4410G>A (p.Pro1470=)

Gene: SLX4 (SLX4 structure-specific endonuclease subunit; minus strand). Cytogenetic location: 16p13.3.
Variant type: single nucleotide variant.
Coding change: c.4410G>A on transcript NM_032444.4 (MANE Select); coding-DNA position 4410, G replaced by A.
Protein change: p.Pro1470=; no amino-acid change (proline 1470 retained).
Molecular consequence: synonymous variant.
Genome position (GRCh38, 1-based): chr16:3,589,228, C>T on the plus strand (G>A on the coding strand, the complement: SLX4 is on the minus strand). VCF-style: chr16-3589228-C-T. GRCh37 (hg19) VCF-style: chr16-3639229-C-T.
Identifiers: ClinVar variation 837025 (VCV000837025.11), dbSNP rs1555449966, ClinGen allele CA7865645.

ClinVar aggregate classification (germline): Conflicting classifications of pathogenicity. Review status: criteria provided, conflicting classifications (1 of 4 stars). 3 submissions from 3 submitters: Uncertain significance (1); Likely benign (1). 1 of the submissions does not count toward it. Last evaluated 2024-05-16.

Conditions:
Fanconi anemia complementation group P. Also called: SLX4-Related Fanconi Anemia. Identifiers: Orphanet 84, MedGen C3469542, MONDO:0013499, OMIM 613951.
Fanconi anemia (FA). Also called: Fanconi's anemia. Identifiers: Orphanet 84, MedGen C0015625, MeSH D005199, MONDO:0019391.

Allele frequency attached by ClinVar (database versions not stated): TOPMed below 0.00001; gnomAD 0.00001.
gnomAD v4.1: 35 of 1,610,180 alleles (0.0022%); highest among the groups gnomAD compares: South Asian, 0.027%; no homozygotes.

Submissions (3):

Fulgent Genetics
Classification: Uncertain significance for Fanconi anemia complementation group P. Last evaluated: 2024-05-16. Review status: criteria provided, single submitter. Criteria: ACMG Guidelines, 2015. Collection method: clinical testing. Allele origin: germline.

Labcorp Genetics (formerly Invitae), Labcorp
Classification: Likely benign for Fanconi anemia. Last evaluated: 2022-12-20. Review status: criteria provided, single submitter. Criteria: Invitae Variant Classification Sherloc (09022015). Collection method: clinical testing. Allele origin: germline.

Leiden Open Variation Database
Classification: Likely benign. Last evaluated: 2012-08-31. Review status: no assertion criteria provided. Collection method: curation. Allele origin: germline. Affected: yes. Not counted in ClinVar's aggregate classification.
Comment: Curator: Arleen D. Auerbach. Submitter to LOVD: Janine Bakker.

Literature cited by the submitters: PubMed 22911665 (cited by Leiden Open Variation Database).